The following is an entry in ClinVar:

ClinVar aggregate classification (germline): Uncertain significance (1 of 4 stars; one submission).

gnomAD v4.1: 1 of 1,613,840 alleles (0.000062%); highest among the groups gnomAD compares: South Asian, 0.0011%; no homozygotes.

Submission:

GeneDx
Classification: Uncertain significance. Last evaluated: 2023-02-27. Review status: criteria provided, single submitter. Criteria: GeneDx Variant Classification Process June 2021. Collection method: clinical testing. Allele origin: germline. Affected: yes.
Comment: Not observed at significant frequency in large population cohorts (gnomAD); Nonsense variant predicted to result in protein truncation as the last 181 amino acids are lost, although loss-of-function variants have not been reported downstream of this position in the protein; Has not been previously published as pathogenic or benign to our knowledge; Variants in candidate genes are classified as variants of uncertain significance in accordance with ACMG guidelines (Richards et al., 2015)

NM_024721.5(ZFHX4):c.10306C>T (p.Gln3436Ter)

Gene: ZFHX4 (zinc finger homeobox 4; plus strand). Cytogenetic location: 8q21.13.
Variant type: single nucleotide variant.
Coding change: c.10306C>T on transcript NM_024721.5 (MANE Select); coding-DNA position 10306, C replaced by T.
Protein change: p.Gln3436Ter; replaces glutamine 3436 with a stop codon.
Molecular consequence: nonsense.
Genome position (GRCh38, 1-based): chr8:76,864,020, C>T. VCF-style: chr8-76864020-C-T. GRCh37 (hg19) VCF-style: chr8-77776256-C-T.
Other names: c.10228C>T, p.Gln3410Ter (NM_001410934.1); short protein forms Q3410*, Q3436*.
Identifiers: ClinVar variation 3900286 (VCV003900286.1).